The following is an entry in ClinVar:

NM_005359.6(SMAD4):c.47G>C (p.Cys16Ser)

Gene: SMAD4 (SMAD family member 4; plus strand). Cytogenetic location: 18q21.2.
Variant type: single nucleotide variant.
Coding change: c.47G>C on transcript NM_005359.6 (MANE Select); coding-DNA position 47, G replaced by C.
Protein change: p.Cys16Ser; replaces cysteine 16 with serine.
Molecular consequence: missense variant.
Genome position (GRCh38, 1-based): chr18:51,047,093, G>C. VCF-style: chr18-51047093-G-C. GRCh37 (hg19) VCF-style: chr18-48573463-G-C.
Other names: short protein forms C16S.
Identifiers: ClinVar variation 529939 (VCV000529939.12), dbSNP rs1555684993, ClinGen allele CA402457375.

ClinVar aggregate classification (germline): Uncertain significance. Review status: criteria provided, multiple submitters, no conflicts (2 of 4 stars). 3 submissions from 3 submitters: Uncertain significance (3). Last evaluated 2026-04-29.

Conditions:
Familial thoracic aortic aneurysm and aortic dissection (TAAD). Also called: Thoracic aortic aneurysms and dissections. Identifiers: Orphanet 91387, MedGen C4707243, MONDO:0019625.
Hereditary cancer-predisposing syndrome. Also called: Tumor predisposition; Hereditary neoplastic syndrome; Neoplastic Syndromes, Hereditary; Hereditary Cancer Syndrome. Identifiers: Orphanet 140162, MedGen C0027672, MeSH D009386, MONDO:0015356.
Juvenile polyposis syndrome (JPS). Identifiers: Orphanet 2929, MedGen C0345893, MONDO:0017380, OMIM 174900.

Allele frequency attached by ClinVar (database versions not stated): gnomAD exomes below 0.00001.
gnomAD v4.1: 2 of 1,613,790 alleles (0.00012%); highest among the groups gnomAD compares: Non-Finnish European, 0.00017%; no homozygotes.

Submissions (3):

Ambry Genetics
Classification: Uncertain significance for Hereditary cancer-predisposing syndrome; Familial thoracic aortic aneurysm and aortic dissection. Last evaluated: 2026-04-29. Review status: criteria provided, single submitter. Criteria: Ambry Variant Classification Scheme 2023. Collection method: clinical testing. Allele origin: germline.
Comment: The p.C16S variant (also known as c.47G>C), located in coding exon 1 of the SMAD4 gene, results from a G to C substitution at nucleotide position 47. The cysteine at codon 16 is replaced by serine, an amino acid with dissimilar properties. This amino acid position is highly conserved in available vertebrate species. In addition, this alteration is predicted to be deleterious by in silico analysis. Based on the available evidence, the clinical significance of this variant remains unclear.

Labcorp Genetics (formerly Invitae), Labcorp
Classification: Uncertain significance for Juvenile polyposis syndrome. Last evaluated: 2022-05-18. Review status: criteria provided, single submitter. Criteria: Invitae Variant Classification Sherloc (09022015). Collection method: clinical testing. Allele origin: germline.
Comment: In summary, the available evidence is currently insufficient to determine the role of this variant in disease. Therefore, it has been classified as a Variant of Uncertain Significance. Algorithms developed to predict the effect of missense changes on protein structure and function are either unavailable or do not agree on the potential impact of this missense change (SIFT: "Tolerated"; PolyPhen-2: "Probably Damaging"; Align-GVGD: "Class C0"). ClinVar contains an entry for this variant (Variation ID: 529939). This variant has not been reported in the literature in individuals affected with SMAD4-related conditions. This variant is not present in population databases (gnomAD no frequency). This sequence change replaces cysteine, which is neutral and slightly polar, with serine, which is neutral and polar, at codon 16 of the SMAD4 protein (p.Cys16Ser).

Women's Health and Genetics/Laboratory Corporation of America, LabCorp
Classification: Uncertain significance. Last evaluated: 2022-05-12. Review status: criteria provided, single submitter. Criteria: LabCorp Variant Classification Summary - May 2015. Collection method: clinical testing. Allele origin: germline.